The following is an entry in ClinVar:

NM_014014.5(SNRNP200):c.6267+5G>A

Gene: SNRNP200 (small nuclear ribonucleoprotein U5 subunit 200; minus strand). Cytogenetic location: 2q11.2.
Variant type: single nucleotide variant.
Coding change: c.6267+5G>A on transcript NM_014014.5 (MANE Select); 5 bases into the intron after coding-DNA position 6267, G replaced by A.
Molecular consequence: intron variant.
Genome position (GRCh38, 1-based): chr2:96,275,252, C>T on the plus strand (G>A on the coding strand, the complement: SNRNP200 is on the minus strand). VCF-style: chr2-96275252-C-T. GRCh37 (hg19) VCF-style: chr2-96940990-C-T.
Identifiers: ClinVar variation 1057425 (VCV001057425.7), dbSNP rs551161869, ClinGen allele CA1777750.
Genomic context (GRCh38, chr2:96,275,252, plus strand): 5'-CACAGGAAGCATTCTCACCCTTCCCCCATGCCAGAACAAATGCTAGGGCCAGTGGACACA[C>T]TCACCTTGGCCTTCTGCTGCAAGGTCAGCCTCTTGATGGAGATGAGGCTATTGGACTTGG-3'

ClinVar aggregate classification (germline): Uncertain significance (1 of 4 stars; one submission).

Allele frequency attached by ClinVar (database versions not stated): gnomAD exomes below 0.00001 and 0.00002; ExAC 0.00002; gnomAD 0.00004; TOPMed 0.00007; 1000 Genomes Project 30x 0.00031; 1000 Genomes Project 0.00040.
gnomAD v4.1: 11 of 1,614,126 alleles (0.00068%); highest among the groups gnomAD compares: African/African-American, 0.015%; no homozygotes.

Submission:

Labcorp Genetics (formerly Invitae), Labcorp
Classification: Uncertain significance. Last evaluated: 2024-12-02. Review status: criteria provided, single submitter. Criteria: Invitae Variant Classification Sherloc (09022015). Collection method: clinical testing. Allele origin: germline.
Comment: This sequence change falls in intron 44 of the SNRNP200 gene. It does not directly change the encoded amino acid sequence of the SNRNP200 protein. It affects a nucleotide within the consensus splice site. This variant is present in population databases (rs551161869, gnomAD 0.02%). This variant has not been reported in the literature in individuals affected with SNRNP200-related conditions. ClinVar contains an entry for this variant (Variation ID: 1057425). Variants that disrupt the consensus splice site are a relatively common cause of aberrant splicing (PMID: 17576681, 9536098). Algorithms developed to predict the effect of sequence changes on RNA splicing suggest that this variant is not likely to affect RNA splicing. In summary, the available evidence is currently insufficient to determine the role of this variant in disease. Therefore, it has been classified as a Variant of Uncertain Significance.

Literature cited by the submitters: PubMed 17576681; PubMed 9536098.